The following is an entry in ClinVar:

ClinVar aggregate classification (germline): Benign/Likely benign. Review status: criteria provided, multiple submitters, no conflicts (2 of 4 stars). 3 submissions from 3 submitters: Benign (1); Likely benign (2). Last evaluated 2026-03-06.

Conditions:
Hereditary diffuse gastric adenocarcinoma (HDGC). Also called: DIFFUSE GASTRIC AND LOBULAR BREAST CANCER SYNDROME. Identifiers: Orphanet 26106, MedGen C1708349, MONDO:0007648, OMIM 137215.
Hereditary cancer-predisposing syndrome. Also called: Hereditary Cancer Syndrome; Neoplastic Syndromes, Hereditary; Tumor predisposition; Hereditary neoplastic syndrome. Identifiers: Orphanet 140162, MedGen C0027672, MeSH D009386, MONDO:0015356.

Allele frequency attached by ClinVar (database versions not stated): gnomAD exomes below 0.00001.
gnomAD v4.1: 2 of 1,614,160 alleles (0.00012%); highest among the groups gnomAD compares: Non-Finnish European, 0.00017%; no homozygotes.

Submissions (3):

Ambry Genetics
Classification: Likely benign for Hereditary cancer-predisposing syndrome. Last evaluated: 2026-03-06. Review status: criteria provided, single submitter. Criteria: Ambry Variant Classification Scheme 2023. Collection method: clinical testing. Allele origin: germline.

Myriad Genetics, Inc.
Classification: Benign for Hereditary diffuse gastric adenocarcinoma. Last evaluated: 2024-09-23. Review status: criteria provided, single submitter. Criteria: Myriad Autosomal Dominant, Autosomal Recessive and X-Linked Classification Criteria (2023). Collection method: clinical testing. Allele origin: unknown.
Comment: This variant is considered benign. This variant is a silent/synonymous amino acid change and it is not expected to impact splicing.

Labcorp Genetics (formerly Invitae), Labcorp
Classification: Likely benign for Hereditary diffuse gastric adenocarcinoma. Last evaluated: 2020-04-05. Review status: criteria provided, single submitter. Criteria: Invitae Variant Classification Sherloc (09022015). Collection method: clinical testing. Allele origin: germline.

NM_004360.5(CDH1):c.2326C>T (p.Leu776=)

Gene: CDH1 (cadherin 1; plus strand). Cytogenetic location: 16q22.1.
Variant type: single nucleotide variant.
Coding change: c.2326C>T on transcript NM_004360.5 (MANE Select); coding-DNA position 2326, C replaced by T.
Protein change: p.Leu776=; no amino-acid change (leucine 776 retained).
Molecular consequence: synonymous variant.
Genome position (GRCh38, 1-based): chr16:68,829,684, C>T. VCF-style: chr16-68829684-C-T. GRCh37 (hg19) VCF-style: chr16-68863587-C-T.
Other names: c.2326C>T (NM_004360.3); c.2143C>T, p.Leu715= (NM_001317184.2); c.778C>T, p.Leu260= (NM_001317185.2); c.361C>T, p.Leu121= (NM_001317186.2).
Identifiers: ClinVar variation 1128069 (VCV001128069.11), dbSNP rs765299711, ClinGen allele CA283318272.